The following is an entry in ClinVar:

NM_020919.4(ALS2):c.2876T>C (p.Leu959Pro)

Gene: ALS2 (alsin Rho guanine nucleotide exchange factor ALS2; minus strand). Cytogenetic location: 2q33.1.
Variant type: single nucleotide variant.
Coding change: c.2876T>C on transcript NM_020919.4 (MANE Select); coding-DNA position 2876, T replaced by C.
Protein change: p.Leu959Pro; replaces leucine 959 with proline.
Molecular consequence: missense variant.
Genome position (GRCh38, 1-based): chr2:201,727,741, A>G on the plus strand (T>C on the coding strand, the complement: ALS2 is on the minus strand). VCF-style: chr2-201727741-A-G. GRCh37 (hg19) VCF-style: chr2-202592464-A-G.
Other names: short protein forms L959P.
Identifiers: ClinVar variation 579232 (VCV000579232.6), dbSNP rs1178248335, ClinGen allele CA350322371.

ClinVar aggregate classification (germline): Uncertain significance. Review status: criteria provided, multiple submitters, no conflicts (2 of 4 stars). 2 submissions from 2 submitters: Uncertain significance (2). Last evaluated 2022-08-16.

Conditions:
Infantile-onset ascending hereditary spastic paralysis (IAHSP). Also called: Autosomal Recessive Juvenile Amyotrophic Lateral Sclerosis; Infantile-Onset Ascending Hereditary Spastic Paralysis (IAHSP). Identifiers: Orphanet 293168, MedGen C2931441, MONDO:0011797, OMIM 607225. Disease mechanism: loss of function.
Inborn genetic diseases. Identifiers: MedGen C0950123, MeSH D030342.

Allele frequency attached by ClinVar (database versions not stated): gnomAD exomes below 0.00001 and 0.00001; gnomAD 0.00001; TOPMed 0.00002.
gnomAD v4.1: 8 of 1,551,624 alleles (0.00052%); highest among the groups gnomAD compares: Admixed American, 0.002%; no homozygotes.

Submissions (2):

Labcorp Genetics (formerly Invitae), Labcorp
Classification: Uncertain significance for Infantile-onset ascending hereditary spastic paralysis. Last evaluated: 2022-08-16. Review status: criteria provided, single submitter. Criteria: Invitae Variant Classification Sherloc (09022015). Collection method: clinical testing. Allele origin: germline.
Comment: This sequence change replaces leucine, which is neutral and non-polar, with proline, which is neutral and non-polar, at codon 959 of the ALS2 protein (p.Leu959Pro). This variant is not present in population databases (gnomAD no frequency). This missense change has been observed in individual(s) with ALS2-related conditions (Invitae). ClinVar contains an entry for this variant (Variation ID: 579232). Algorithms developed to predict the effect of missense changes on protein structure and function (SIFT, PolyPhen-2, Align-GVGD) all suggest that this variant is likely to be disruptive. In summary, the available evidence is currently insufficient to determine the role of this variant in disease. Therefore, it has been classified as a Variant of Uncertain Significance.

Ambry Genetics
Classification: Uncertain significance for Inborn genetic diseases. Last evaluated: 2021-08-09. Review status: criteria provided, single submitter. Criteria: Ambry Variant Classification Scheme 2023. Collection method: clinical testing. Allele origin: germline.